The following is an entry in ClinVar:

ClinVar aggregate classification (germline): Likely benign (1 of 4 stars; one submission).

Allele frequency attached by ClinVar (database versions not stated): gnomAD exomes 0.00001; gnomAD 0.00002; TOPMed 0.00002.

Submission:

CeGaT Center for Human Genetics Tuebingen
Classification: Likely benign. Last evaluated: 2022-04-01. Review status: criteria provided, single submitter. Criteria: CeGaT Center For Human Genetics Tuebingen Variant Classification Criteria Version 2. Collection method: clinical testing. Allele origin: germline. Affected: yes. Observed: 1 variant allele.
Comment: FCGBP: BP4, BP7

NM_003890.3(FCGBP):c.15243C>T (p.Cys5081=)

Gene: FCGBP (Fc gamma binding protein; minus strand). Cytogenetic location: 19q13.2.
Variant type: single nucleotide variant.
Coding change: c.15243C>T on transcript NM_003890.3 (MANE Select); coding-DNA position 15243, C replaced by T.
Protein change: p.Cys5081=; no amino-acid change (cysteine 5081 retained).
Molecular consequence: synonymous variant.
Genome position (GRCh38, 1-based): chr19:39,872,187, G>A on the plus strand (C>T on the coding strand, the complement: FCGBP is on the minus strand). VCF-style: chr19-39872187-G-A. GRCh37 (hg19) VCF-style: chr19-40362827-G-A.
Identifiers: ClinVar variation 2649840 (VCV002649840.24), dbSNP rs1184682524, ClinGen allele CA507665536.